The following is an entry in ClinVar:

NM_001853.4(COL9A3):c.1447A>C (p.Asn483His)

Genes: COL9A3 (collagen type IX alpha 3 chain; plus strand), LOC126863084 (MED14-independent group 3 enhancer GRCh37_chr20:61467141-61468340; plus strand). Cytogenetic location: 20q13.33.
Variant type: single nucleotide variant.
Coding change: c.1447A>C on transcript NM_001853.4 (MANE Select); coding-DNA position 1447, A replaced by C.
Protein change: p.Asn483His; replaces asparagine 483 with histidine.
Molecular consequence: missense variant.
Genome position (GRCh38, 1-based): chr20:62,836,232, A>C. VCF-style: chr20-62836232-A-C. GRCh37 (hg19) VCF-style: chr20-61467584-A-C.
Other names: short protein forms N483H.
Identifiers: ClinVar variation 2009894 (VCV002009894.4), dbSNP rs2063634142, ClinGen allele CA409597084.

ClinVar aggregate classification (germline): Uncertain significance (1 of 4 stars; one submission).

Submission:

Labcorp Genetics (formerly Invitae), Labcorp
Classification: Uncertain significance. Last evaluated: 2022-07-13. Review status: criteria provided, single submitter. Criteria: Invitae Variant Classification Sherloc (09022015). Collection method: clinical testing. Allele origin: germline.
Comment: In summary, the available evidence is currently insufficient to determine the role of this variant in disease. Therefore, it has been classified as a Variant of Uncertain Significance. Advanced modeling of protein sequence and biophysical properties (such as structural, functional, and spatial information, amino acid conservation, physicochemical variation, residue mobility, and thermodynamic stability) performed at Invitae indicates that this missense variant is not expected to disrupt COL9A3 protein function. This variant has not been reported in the literature in individuals affected with COL9A3-related conditions. This variant is not present in population databases (gnomAD no frequency). This sequence change replaces asparagine, which is neutral and polar, with histidine, which is basic and polar, at codon 483 of the COL9A3 protein (p.Asn483His).